The following is an entry in ClinVar:

ClinVar aggregate classification (germline): Likely pathogenic. Review status: criteria provided, single submitter (1 of 4 stars). 2 submissions from 2 submitters: Likely pathogenic (1). 1 of the submissions does not count toward it. Last evaluated 2023-11-01.

Conditions:
Charcot-Marie-Tooth disease. Also called: Charcot-Marie-Tooth Hereditary Neuropathy; Charcot-Marie-Tooth Neuropathy. Identifiers: Orphanet 166, MedGen C0007959, MONDO:0015626.

Submissions (2):

CeGaT Center for Human Genetics Tuebingen
Classification: Likely pathogenic. Last evaluated: 2023-11-01. Review status: criteria provided, single submitter. Criteria: CeGaT Center For Human Genetics Tuebingen Variant Classification Criteria Version 2. Collection method: clinical testing. Allele origin: germline. Affected: yes. Observed: 1 variant allele.
Comment: MFN2: PM1, PM2, PS4:Moderate, PP3

Inherited Neuropathy Consortium
Classification: Uncertain significance for Charcot-Marie-Tooth disease. Review status: no assertion criteria provided. Collection method: literature only. Allele origin: germline. Affected: yes. Not counted in ClinVar's aggregate classification.

Literature cited by the submitters: PubMed 22492563 (cited by Inherited Neuropathy Consortium).

NM_014874.4(MFN2):c.605G>C (p.Gly202Ala)

Gene: MFN2 (mitofusin 2; plus strand). Cytogenetic location: 1p36.22.
Variant type: single nucleotide variant.
Coding change: c.605G>C on transcript NM_014874.4 (MANE Select); coding-DNA position 605, G replaced by C.
Protein change: p.Gly202Ala; replaces glycine 202 with alanine.
Molecular consequence: missense variant.
Genome position (GRCh38, 1-based): chr1:11,998,775, G>C. VCF-style: chr1-11998775-G-C. GRCh37 (hg19) VCF-style: chr1-12058832-G-C.
Other names: c.605G>C, p.Gly202Ala (NM_001127660.2); short protein forms G202A.
Identifiers: ClinVar variation 637745 (VCV000637745.24), dbSNP rs1569842143, ClinGen allele CA338437692.